The following is an entry in ClinVar:

NM_002249.6(KCNN3):c.1667A>C (p.His556Pro)

Gene: KCNN3 (potassium calcium-activated channel subfamily N member 3; minus strand). Cytogenetic location: 1q21.3.
Variant type: single nucleotide variant.
Coding change: c.1667A>C on transcript NM_002249.6 (MANE Select); coding-DNA position 1667, A replaced by C.
Protein change: p.His556Pro; replaces histidine 556 with proline.
Molecular consequence: missense variant.
Genome position (GRCh38, 1-based): chr1:154,725,950, T>G on the plus strand (A>C on the coding strand, the complement: KCNN3 is on the minus strand). VCF-style: chr1-154725950-T-G. GRCh37 (hg19) VCF-style: chr1-154698426-T-G.
Other names: c.1712A>C, p.His571Pro (NM_001204087.2); c.773A>C, p.His258Pro (NM_001365837.1); c.728A>C, p.His243Pro (NM_001365838.1); c.752A>C, p.His251Pro (NM_170782.3); short protein forms H243P, H251P, H258P, H556P, H571P.
Identifiers: ClinVar variation 3603254 (VCV003603254.1).
Genomic context (GRCh38, chr1:154,725,950, plus strand): 5'-TAAGACATGGCTGTGTGGCATCTTACCCGCTTGGTGAGCTGAGTGTCCATCATGAAGTTA[T>G]GAACGTGCTTCTCCGCTTTGGTGAGTTCCAGCTTTCGGGCCACCACGGCCACCACAAGGG-3'
Protein context (NP_002240.3, residues 546-566): LELTKAEKHV[His556Pro]NFMMDTQLTK

ClinVar aggregate classification (germline): Uncertain significance (1 of 4 stars; one submission).

Submission:

GeneDx
Classification: Uncertain significance. Last evaluated: 2024-08-05. Review status: criteria provided, single submitter. Criteria: GeneDx Variant Classification Process June 2021. Collection method: clinical testing. Allele origin: germline. Affected: yes.
Comment: Not observed at significant frequency in large population cohorts (gnomAD); In silico analysis supports that this missense variant has a deleterious effect on protein structure/function; Has not been previously published as pathogenic or benign to our knowledge